The following is an entry in ClinVar:

NM_001136193.2(FASTKD2):c.583C>G (p.Leu195Val)

Gene: FASTKD2 (FAST kinase domains 2; plus strand). Cytogenetic location: 2q33.3.
Variant type: single nucleotide variant.
Coding change: c.583C>G on transcript NM_001136193.2 (MANE Select); coding-DNA position 583, C replaced by G.
Protein change: p.Leu195Val; replaces leucine 195 with valine.
Molecular consequence: missense variant.
Genome position (GRCh38, 1-based): chr2:206,767,276, C>G. VCF-style: chr2-206767276-C-G. GRCh37 (hg19) VCF-style: chr2-207632000-C-G.
Other names: p.Leu195Val; c.583C>G, p.Leu195Val (NM_001136194.2, NM_014929.4); short protein forms L195V.
Identifiers: ClinVar variation 3379416 (VCV003379416.1).

ClinVar aggregate classification (germline): Uncertain significance (1 of 4 stars; one submission).

gnomAD v4.1: 5 of 1,614,102 alleles (0.00031%); highest among the groups gnomAD compares: Non-Finnish European, 0.00034%; no homozygotes.

Submission:

Mayo Clinic Laboratories, Mayo Clinic
Classification: Uncertain significance. Last evaluated: 2024-03-05. Review status: criteria provided, single submitter. Criteria: ACMG Guidelines, 2015. Collection method: clinical testing. Allele origin: germline. Observed: 1 variant allele.
Comment: BP4, PM2_moderate